The following is an entry in ClinVar:

NM_004415.4(DSP):c.7643G>A (p.Arg2548Gln)

Gene: DSP (desmoplakin; plus strand). Cytogenetic location: 6p24.3.
Variant type: single nucleotide variant.
Coding change: c.7643G>A on transcript NM_004415.4 (MANE Select); coding-DNA position 7643, G replaced by A.
Protein change: p.Arg2548Gln; replaces arginine 2548 with glutamine.
Molecular consequence: missense variant.
Genome position (GRCh38, 1-based): chr6:7,584,905, G>A. VCF-style: chr6-7584905-G-A. GRCh37 (hg19) VCF-style: chr6-7585138-G-A.
Other names: c.5846G>A, p.Arg1949Gln (NM_001008844.3); c.6314G>A, p.Arg2105Gln (NM_001319034.2); short protein forms R1949Q, R2105Q, R2548Q.
Identifiers: ClinVar variation 928243 (VCV000928243.10), dbSNP rs377565339, ClinGen allele CA133976323.

ClinVar aggregate classification (germline): Conflicting classifications of pathogenicity. Review status: criteria provided, conflicting classifications (1 of 4 stars). 2 submissions from 2 submitters: Uncertain significance (1); Likely benign (1). Last evaluated 2024-03-06.

Conditions:
Arrhythmogenic cardiomyopathy with wooly hair and keratoderma. Also called: PALMOPLANTAR KERATODERMA WITH LEFT VENTRICULAR CARDIOMYOPATHY AND WOOLLY HAIR; Carvajal syndrome; Dilated cardiomyopathy with woolly hair and keratoderma; Arrhythmogenic cardiomyopathy with woolly hair and keratoderma. Identifiers: Orphanet 65282, MedGen C1854063, MONDO:0011581, OMIM 605676.
Arrhythmogenic right ventricular dysplasia 8 (ARVD8). Also called: ARRHYTHMOGENIC RIGHT VENTRICULAR DYSPLASIA, FAMILIAL, 8; Arrhythmogenic Right Ventricular Dysplasia/Cardiomyopathy 8; ARRHYTHMOGENIC RIGHT VENTRICULAR CARDIOMYOPATHY 8. Identifiers: MedGen C1843896, MONDO:0011831, OMIM 607450.
Cardiomyopathy (CMYO). Also called: Cardiomyopathies. Identifiers: Orphanet 167848, MedGen C0878544, MONDO:0004994, HP:0001638. Inheritance: Various modes of inheritance.

Allele frequency attached by ClinVar (database versions not stated): gnomAD exomes below 0.00001; ESP Exome Variant Server 0.00008.
gnomAD v4.1: 1 of 1,614,142 alleles (0.000062%); highest among the groups gnomAD compares: Non-Finnish European, 0.000085%; no homozygotes.

Submissions (2):

Color Diagnostics, LLC DBA Color Health
Classification: Uncertain significance for Cardiomyopathy. Last evaluated: 2024-03-06. Review status: criteria provided, single submitter. Criteria: ACMG Guidelines, 2015. Collection method: clinical testing. Allele origin: germline.
Comment: This missense variant replaces arginine with glutamine at codon 2548 of the DSP protein. Computational prediction suggests that this variant may not impact protein structure and function (internally defined REVEL score threshold <= 0.5, PMID: 27666373). To our knowledge, functional studies have not been reported for this variant. This variant has not been reported in individuals affected with DSP-related disorders in the literature. This variant has been identified in 1/251492 chromosomes in the general population by the Genome Aggregation Database (gnomAD). The available evidence is insufficient to determine the role of this variant in disease conclusively. Therefore, this variant is classified as a Variant of Uncertain Significance.

Labcorp Genetics (formerly Invitae), Labcorp
Classification: Likely benign for Arrhythmogenic cardiomyopathy with wooly hair and keratoderma; Arrhythmogenic right ventricular dysplasia 8. Last evaluated: 2022-05-19. Review status: criteria provided, single submitter. Criteria: Invitae Variant Classification Sherloc (09022015). Collection method: clinical testing. Allele origin: germline.